The following is an entry in ClinVar:

ClinVar aggregate classification (germline): Uncertain significance (1 of 4 stars; one submission).

Allele frequency attached by ClinVar (database versions not stated): TOPMed below 0.00001.

Submission:

GeneDx
Classification: Uncertain significance. Last evaluated: 2022-09-09. Review status: criteria provided, single submitter. Criteria: GeneDx Variant Classification Process June 2021. Collection method: clinical testing. Allele origin: germline. Affected: yes.
Comment: Not observed at significant frequency in large population cohorts (gnomAD); Missense variants in this gene are often considered pathogenic (HGMD); In silico analysis supports that this missense variant has a deleterious effect on protein structure/function; This substitution is predicted to be within the transmembrane segment S1 of the second homologous domain; Has not been previously published as pathogenic or benign to our knowledge

NM_001040142.2(SCN2A):c.2332A>G (p.Met778Val)

Gene: SCN2A (sodium voltage-gated channel alpha subunit 2; plus strand). Cytogenetic location: 2q24.3.
Variant type: single nucleotide variant.
Coding change: c.2332A>G on transcript NM_001040142.2 (MANE Select); coding-DNA position 2332, A replaced by G.
Protein change: p.Met778Val; replaces methionine 778 with valine.
Molecular consequence: missense variant.
Genome position (GRCh38, 1-based): chr2:165,331,512, A>G. VCF-style: chr2-165331512-A-G. GRCh37 (hg19) VCF-style: chr2-166188022-A-G.
Other names: c.2332A>G, p.Met778Val (NM_001040143.2, NM_001371246.1, NM_001371247.1 and 1 more transcripts); short protein forms M778V.
Identifiers: ClinVar variation 2443576 (VCV002443576.1), dbSNP rs1698670994, ClinGen allele CA349031418.